The following is an entry in ClinVar:

NM_174936.4(PCSK9):c.1461_1462del (p.Ser488fs)

Gene: PCSK9 (proprotein convertase subtilisin/kexin type 9; plus strand). Cytogenetic location: 1p32.3.
Variant type: Deletion.
Coding change: c.1461_1462del on transcript NM_174936.4 (MANE Select); coding-DNA positions 1461 to 1462, 2 bases deleted (CA; older notation c.1461_1462delCA).
Protein change: p.Ser488fs; shifts the reading frame from serine 488.
Molecular consequence: frameshift variant. On other transcripts: non-coding transcript variant (8), intron variant (1).
Genome position (GRCh38, 1-based): chr1:55,058,605-55,058,606, CA deleted. VCF-style (leftmost placement, unchanged base first): chr1-55058604-CCA-C. GRCh37 (hg19) VCF-style: chr1-55524277-CCA-C.
Other names: c.1584_1585del, p.Ser529fs (NM_001407240.1); c.1461_1462del, p.Ser488fs (NM_001407241.1); c.1464_1465del, p.Ser489fs (NM_001407242.1); c.1404_1405del, p.Ser469fs (NM_001407243.1); c.1287_1288del, p.Ser430fs (NM_001407244.1); c.1269_1270del, p.Ser424fs (NM_001407245.1); c.1086_1087del, p.Ser363fs (NM_001407246.1); c.1180+1091_1180+1092del (NM_001407247.1); short protein forms S363fs, S424fs, S430fs, S469fs, S488fs, S489fs, S529fs.
Identifiers: ClinVar variation 2627178 (VCV002627178.1), dbSNP rs2523263674, ClinGen allele CA2582341921.

ClinVar aggregate classification (germline): Uncertain significance (1 of 4 stars; one submission).

Submission:

Women's Health and Genetics/Laboratory Corporation of America, LabCorp
Classification: Uncertain significance. Last evaluated: 2023-09-08. Review status: criteria provided, single submitter. Criteria: LabCorp Variant Classification Summary - May 2015. Collection method: clinical testing. Allele origin: germline.
Comment: Variant summary: PCSK9 c.1461_1462delCA (p.Ser488PhefsX30) results in a premature termination codon, predicted to cause a truncation of the encoded protein or absence of the protein due to nonsense mediated decay, however the molecular mechanism of disease attributed to PCSK9 is gain-of-function. The variant was absent in 250702 control chromosomes (gnomAD). The available data on variant occurrences in the general population are insufficient to allow any conclusion about variant significance. To our knowledge, no occurrence of c.1461_1462delCA in individuals affected with Familial Hypercholesterolemia and no experimental evidence demonstrating its impact on protein function have been reported. No submitters have cited clinical-significance assessments for this variant to ClinVar after 2014. Based on the evidence outlined above, the variant was classified as uncertain significance.